The following is an entry in ClinVar:

NM_006088.6(TUBB4B):c.966C>T (p.Ser322=)

Gene: TUBB4B (tubulin beta 4B class IVb; plus strand). Cytogenetic location: 9q34.3.
Variant type: single nucleotide variant.
Coding change: c.966C>T on transcript NM_006088.6 (MANE Select); coding-DNA position 966, C replaced by T.
Protein change: p.Ser322=; no amino-acid change (serine 322 retained).
Molecular consequence: synonymous variant.
Genome position (GRCh38, 1-based): chr9:137,243,184, C>T. VCF-style: chr9-137243184-C-T. GRCh37 (hg19) VCF-style: chr9-140137636-C-T.
Other names: c.966C>T (NM_006088.5).
Identifiers: ClinVar variation 2886616 (VCV002886616.6), dbSNP rs373363190, ClinGen allele CA5365437.

ClinVar aggregate classification (germline): Likely benign. Review status: criteria provided, multiple submitters, no conflicts (2 of 4 stars). 3 submissions from 3 submitters: Likely benign (2). 1 of the submissions does not count toward it. Last evaluated 2025-06-12.

Conditions:
TUBB4B-related disorder. Also called: TUBB4B-related condition.

Allele frequency attached by ClinVar (database versions not stated): gnomAD exomes 0.00004; ExAC 0.00008; ESP Exome Variant Server 0.00023; gnomAD 0.00025; TOPMed 0.00029; 1000 Genomes Project 0.00060; 1000 Genomes Project 30x 0.00062.
gnomAD v4.1: 97 of 1,613,136 alleles (0.006%); highest among the groups gnomAD compares: African/African-American, 0.088%; no homozygotes.

Submissions (3):

Labcorp Genetics (formerly Invitae), Labcorp
Classification: Likely benign. Last evaluated: 2025-06-12. Review status: criteria provided, single submitter. Criteria: Invitae Variant Classification Sherloc (09022015). Collection method: clinical testing. Allele origin: germline.

Blueprint Genetics
Classification: Likely benign. Last evaluated: 2024-03-19. Review status: criteria provided, single submitter. Criteria: ACMG Guidelines, 2015. Collection method: clinical testing. Allele origin: germline.

PreventionGenetics, part of Exact Sciences
Classification: Likely benign for TUBB4B-related condition. Last evaluated: 2020-04-24. Review status: no assertion criteria provided. Collection method: clinical testing. Allele origin: germline. Not counted in ClinVar's aggregate classification.
Comment: This variant is classified as likely benign based on ACMG/AMP sequence variant interpretation guidelines (Richards et al. 2015 PMID: 25741868, with internal and published modifications).